The following is an entry in ClinVar:

ClinVar aggregate classification (germline): Uncertain significance (1 of 4 stars; one submission).

Allele frequency attached by ClinVar (database versions not stated): gnomAD exomes below 0.00001; ExAC 0.00001.
gnomAD v4.1: 1 of 1,612,648 alleles (0.000062%); highest among the groups gnomAD compares: Non-Finnish European, 0.000085%; no homozygotes.

Submission:

Labcorp Genetics (formerly Invitae), Labcorp
Classification: Uncertain significance. Last evaluated: 2022-11-15. Review status: criteria provided, single submitter. Criteria: Invitae Variant Classification Sherloc (09022015). Collection method: clinical testing. Allele origin: germline.
Comment: In summary, the available evidence is currently insufficient to determine the role of this variant in disease. Therefore, it has been classified as a Variant of Uncertain Significance. Algorithms developed to predict the effect of sequence changes on RNA splicing suggest that this variant may create or strengthen a splice site. Algorithms developed to predict the effect of missense changes on protein structure and function (SIFT, PolyPhen-2, Align-GVGD) all suggest that this variant is likely to be tolerated. ClinVar contains an entry for this variant (Variation ID: 1486339). This variant has not been reported in the literature in individuals affected with RECQL-related conditions. This variant is present in population databases (rs760084946, gnomAD 0.0009%). This sequence change replaces isoleucine, which is neutral and non-polar, with valine, which is neutral and non-polar, at codon 450 of the RECQL protein (p.Ile450Val).

NM_002907.4(RECQL):c.1348A>G (p.Ile450Val)

Gene: RECQL (RecQ like helicase; minus strand). Cytogenetic location: 12p12.1.
Variant type: single nucleotide variant.
Coding change: c.1348A>G on transcript NM_002907.4 (MANE Select); coding-DNA position 1348, A replaced by G.
Protein change: p.Ile450Val; replaces isoleucine 450 with valine.
Molecular consequence: missense variant.
Genome position (GRCh38, 1-based): chr12:21,474,848, T>C on the plus strand (A>G on the coding strand, the complement: RECQL is on the minus strand). VCF-style: chr12-21474848-T-C. GRCh37 (hg19) VCF-style: chr12-21627782-T-C.
Other names: c.1348A>G, p.Ile450Val (NM_032941.3); short protein forms I450V.
Identifiers: ClinVar variation 1486339 (VCV001486339.6), dbSNP rs760084946, ClinGen allele CA6478794.
Genomic context (GRCh38, chr12:21,474,848, plus strand): 5'-TACTTTCATATTTGCTTTAATTGATAAAAGTTATAAAAAGGTATGTGGCTTACTTGCTTA[T>C]GTTTTGACAGTATGATACCATCTCATAAAGCTTCTGCTGTCCCACATTTTCCATCACCAC-3'
Protein context (NP_002898.2, residues 440-460): LYEMVSYCQN[Ile450Val]SKCRRVLMAQ